The following is an entry in ClinVar:

NM_014846.4(WASHC5):c.2200-285G>A

Gene: WASHC5 (WASH complex subunit 5; minus strand). Cytogenetic location: 8q24.13.
Variant type: single nucleotide variant.
Coding change: c.2200-285G>A on transcript NM_014846.4 (MANE Select); 285 bases into the intron before coding-DNA position 2200, G replaced by A.
Molecular consequence: intron variant.
Genome position (GRCh38, 1-based): chr8:125,049,470, C>T on the plus strand (G>A on the coding strand, the complement: WASHC5 is on the minus strand). VCF-style: chr8-125049470-C-T. GRCh37 (hg19) VCF-style: chr8-126061712-C-T.
Other names: c.1756-285G>A (NM_001330609.2).
Identifiers: ClinVar variation 669898 (VCV000669898.1), dbSNP rs10103150, ClinGen allele CA12820868.
Genomic context (GRCh38, chr8:125,049,470, plus strand): 5'-AAGTAGCCAGGTGTGGTGTGTACCTGTAATCCCAGCTACTTGGGAGGCTGAGGCAGGGAA[C>T]TGCTTGAACCTGGGAGGCGGAGGCTGCAGTGAGCTGAGATTGTGCCACTGCACTCCAGCC-3'

ClinVar aggregate classification (germline): Benign (1 of 4 stars; one submission).

Allele frequency attached by ClinVar (database versions not stated): gnomAD 0.31561; TOPMed 0.35420; 1000 Genomes Project 0.41913; 1000 Genomes Project 30x 0.42083.
gnomAD v4.1: 49,277 of 150,870 alleles (33%); highest among the groups gnomAD compares: African/African-American, 52%; 9,392 homozygotes.

Submission:

GeneDx
Classification: Benign. Last evaluated: 2018-06-14. Review status: criteria provided, single submitter. Criteria: GeneDx Variant Classification (06012015). Collection method: clinical testing. Allele origin: germline. Affected: yes.
Comment: This variant is considered likely benign or benign based on one or more of the following criteria: it is a conservative change, it occurs at a poorly conserved position in the protein, it is predicted to be benign by multiple in silico algorithms, and/or has population frequency not consistent with disease.